The following is an entry in ClinVar:

NM_001365951.3(KIF1B):c.1150C>G (p.Arg384Gly)

Gene: KIF1B (kinesin family member 1B; plus strand). Cytogenetic location: 1p36.22.
Variant type: single nucleotide variant.
Coding change: c.1150C>G on transcript NM_001365951.3 (MANE Select); coding-DNA position 1150, C replaced by G.
Protein change: p.Arg384Gly; replaces arginine 384 with glycine.
Molecular consequence: missense variant.
Genome position (GRCh38, 1-based): chr1:10,278,098, C>G. VCF-style: chr1-10278098-C-G. GRCh37 (hg19) VCF-style: chr1-10338156-C-G.
Other names: c.1150C>G, p.Arg384Gly (NM_001365952.1); c.1132C>G, p.Arg378Gly (NM_001365953.1, NM_015074.3, NM_183416.4); short protein forms R378G, R384G.
Identifiers: ClinVar variation 3226338 (VCV003226338.1), dbSNP rs766077102, ClinGen allele CA338334507.
Genomic context (GRCh38, chr1:10,278,098, plus strand): 5'-CCCAATGCCAAACTGGTTCGTGAATTAAAGGAGGAGGTGACACGGCTGAAGGACCTTCTT[C>G]GTGCTCAGGGCCTGGGAGATATTATTGATAGTAAGTGAATTAAGGATCGTTACAAAATCT-3'
Protein context (NP_001352880.1, residues 374-394): EEVTRLKDLL[Arg384Gly]AQGLGDIIDI

ClinVar aggregate classification (germline): Uncertain significance (1 of 4 stars; one submission).

Submission:

Ambry Genetics
Classification: Uncertain significance. Last evaluated: 2023-09-21. Review status: criteria provided, single submitter. Criteria: Ambry Variant Classification Scheme 2023. Collection method: clinical testing. Allele origin: germline.
Comment: The p.R378G variant (also known as c.1132C>G), located in coding exon 11 of the KIF1B gene, results from a C to G substitution at nucleotide position 1132. The arginine at codon 378 is replaced by glycine, an amino acid with dissimilar properties. This amino acid position is conserved. In addition, the in silico prediction for this alteration is inconclusive. Since supporting evidence is limited at this time, the clinical significance of this alteration remains unclear.